The following is an entry in ClinVar:

ClinVar aggregate classification (germline): Uncertain significance. Review status: criteria provided, multiple submitters, no conflicts (2 of 4 stars). 2 submissions from 2 submitters: Uncertain significance (2). Last evaluated 2024-04-09.

Conditions:
Inborn genetic diseases. Identifiers: MedGen C0950123, MeSH D030342.

Allele frequency attached by ClinVar (database versions not stated): gnomAD exomes 0.00001 and 0.00003; ExAC 0.00002; gnomAD 0.00003; TOPMed 0.00005; ESP Exome Variant Server 0.00008; 1000 Genomes Project 30x 0.00031.
gnomAD v4.1: 49 of 1,614,198 alleles (0.003%); highest among the groups gnomAD compares: African/African-American, 0.0067%; no homozygotes.

Submissions (2):

Ambry Genetics
Classification: Uncertain significance for Inborn genetic diseases. Last evaluated: 2024-04-09. Review status: criteria provided, single submitter. Criteria: Ambry Variant Classification Scheme 2023. Collection method: clinical testing. Allele origin: germline.

Labcorp Genetics (formerly Invitae), Labcorp
Classification: Uncertain significance. Last evaluated: 2022-06-20. Review status: criteria provided, single submitter. Criteria: Invitae Variant Classification Sherloc (09022015). Collection method: clinical testing. Allele origin: germline.
Comment: This sequence change replaces threonine, which is neutral and polar, with methionine, which is neutral and non-polar, at codon 335 of the DDR2 protein (p.Thr335Met). This variant is present in population databases (rs147483979, gnomAD 0.008%). This variant has not been reported in the literature in individuals affected with DDR2-related conditions. ClinVar contains an entry for this variant (Variation ID: 1001294). Algorithms developed to predict the effect of missense changes on protein structure and function (SIFT, PolyPhen-2, Align-GVGD) all suggest that this variant is likely to be disruptive. In summary, the available evidence is currently insufficient to determine the role of this variant in disease. Therefore, it has been classified as a Variant of Uncertain Significance.

NM_006182.4(DDR2):c.1004C>T (p.Thr335Met)

Gene: DDR2 (discoidin domain receptor tyrosine kinase 2; plus strand). Cytogenetic location: 1q23.3.
Variant type: single nucleotide variant.
Coding change: c.1004C>T on transcript NM_006182.4 (MANE Select); coding-DNA position 1004, C replaced by T.
Protein change: p.Thr335Met; replaces threonine 335 with methionine.
Molecular consequence: missense variant.
Genome position (GRCh38, 1-based): chr1:162,761,359, C>T. VCF-style: chr1-162761359-C-T. GRCh37 (hg19) VCF-style: chr1-162731149-C-T.
Other names: c.1004C>T, p.Thr335Met (NM_001014796.3, NM_001354982.2, NM_001354983.2); c.1004C>T (NM_006182.2); short protein forms T335M.
Identifiers: ClinVar variation 1001294 (VCV001001294.3), dbSNP rs147483979, ClinGen allele CA1217394.